The following is an entry in ClinVar:

NM_021625.5(TRPV4):c.426G>A (p.Pro142=)

Gene: TRPV4 (transient receptor potential cation channel subfamily V member 4; minus strand). Cytogenetic location: 12q24.11.
Variant type: single nucleotide variant.
Coding change: c.426G>A on transcript NM_021625.5 (MANE Select); coding-DNA position 426, G replaced by A.
Protein change: p.Pro142=; no amino-acid change (proline 142 retained).
Molecular consequence: synonymous variant.
Genome position (GRCh38, 1-based): chr12:109,808,429, C>T on the plus strand (G>A on the coding strand, the complement: TRPV4 is on the minus strand). VCF-style: chr12-109808429-C-T. GRCh37 (hg19) VCF-style: chr12-110246234-C-T.
Other names: c.426G>A, p.Pro142= (NM_001177428.2, NM_001177433.2, NM_147204.3); c.324G>A, p.Pro108= (NM_001177431.2).
Identifiers: ClinVar variation 512866 (VCV000512866.14), dbSNP rs145327152, ClinGen allele CA6780542.
Genomic context (GRCh38, chr12:109,808,429, plus strand): 5'-GGAGCCCCGGGACACGATGTCAAAGAGGATAGGCCGGTTGAAGACTTTGAGGATGGGGGG[C>T]GGCTGAGGGGCAGGGGCTTTGGGGCTCTGCGGCTGCTTCCTGGAGGAGGTAGGGAGGCAA-3'
Protein context (NP_067638.3, residues 132-152): PQSPKAPAPQ[Pro142=]PPILKVFNRP

ClinVar aggregate classification (germline): Benign/Likely benign. Review status: criteria provided, multiple submitters, no conflicts (2 of 4 stars). 4 submissions from 4 submitters: Benign (1); Likely benign (3). Last evaluated 2026-01-20.

Conditions:
Charcot-Marie-Tooth disease axonal type 2C (HMSN2C). Also called: Charcot-Marie-Tooth Disease Type 2, TRPV4-Related (CMT2C); CHARCOT-MARIE-TOOTH DISEASE, AXONAL, AUTOSOMAL DOMINANT, TYPE 2C; Charcot-Marie-Tooth Neuropathy Type 2C. Identifiers: Orphanet 99937, MedGen C1853710, MONDO:0011633, OMIM 606071.
TRPV4-related disorder. Also called: TRPV4-related disorders; TRPV4-related condition.
Inborn genetic diseases. Identifiers: MedGen C0950123, MeSH D030342.

Allele frequency attached by ClinVar (database versions not stated): gnomAD exomes 0.00004 and 0.00006; ExAC 0.00006; ESP Exome Variant Server 0.00015; gnomAD 0.00029 and 0.00031; TOPMed 0.00034.
gnomAD v4.1: 113 of 1,613,810 alleles (0.007%); highest among the groups gnomAD compares: African/African-American, 0.11%; 1 homozygote.

Submissions (4):

Labcorp Genetics (formerly Invitae), Labcorp
Classification: Benign for Charcot-Marie-Tooth disease axonal type 2C. Last evaluated: 2026-01-20. Review status: criteria provided, single submitter. Criteria: Invitae Variant Classification Sherloc (09022015). Collection method: clinical testing. Allele origin: germline.

PreventionGenetics, part of Exact Sciences
Classification: Likely benign for TRPV4-related condition. Last evaluated: 2025-11-12. Review status: criteria provided, single submitter. Criteria: ACMG Guidelines, 2015. Collection method: clinical testing. Allele origin: germline.
Comment: This variant is classified as likely benign based on ACMG/AMP sequence variant interpretation guidelines (Richards et al. 2015 PMID: 25741868, with internal and published modifications).

GeneDx
Classification: Likely benign. Last evaluated: 2019-07-19. Review status: criteria provided, single submitter. Criteria: GeneDx Variant Classification Process June 2021. Collection method: clinical testing. Allele origin: germline. Affected: yes.

Ambry Genetics
Classification: Likely benign for Inborn genetic diseases. Last evaluated: 2019-07-11. Review status: criteria provided, single submitter. Criteria: Ambry Variant Classification Scheme 2023. Collection method: clinical testing. Allele origin: germline.